The following is an entry in ClinVar:

NM_032776.3(JMJD1C):c.1798A>G (p.Ile600Val)

Gene: JMJD1C (jumonji domain containing 1C; minus strand). Cytogenetic location: 10q21.3.
Variant type: single nucleotide variant.
Coding change: c.1798A>G on transcript NM_032776.3 (MANE Select); coding-DNA position 1798, A replaced by G.
Protein change: p.Ile600Val; replaces isoleucine 600 with valine.
Molecular consequence: missense variant. On other transcripts: non-coding transcript variant (1).
Genome position (GRCh38, 1-based): chr10:63,214,369, T>C on the plus strand (A>G on the coding strand, the complement: JMJD1C is on the minus strand). VCF-style: chr10-63214369-T-C. GRCh37 (hg19) VCF-style: chr10-64974129-T-C.
Other names: c.1252A>G, p.Ile418Val (NM_001282948.2, NM_001318154.2); c.934A>G, p.Ile312Val (NM_001318153.2); c.1684A>G, p.Ile562Val (NM_001322252.2); c.1141A>G, p.Ile381Val (NM_001322254.2, NM_001322258.2); short protein forms I600V, I312V, I381V, I418V, I562V.
Identifiers: ClinVar variation 1041112 (VCV001041112.8), dbSNP rs374685297, ClinGen allele CA5518743.
Genomic context (GRCh38, chr10:63,214,369, plus strand): 5'-GAGGTGGACTTCGCTTATGCAGCTTATCTTCCATGACAGAAACTGCACTTAAAGGAGAAA[T>C]GTAAGAGACATACTTCTCTTTTTCCATGTTCAAGTGATCATTTCCTGAAGAAGCATTTGT-3'
Protein context (NP_116165.1, residues 590-610): NMEKEKYVSY[Ile600Val]SPLSAVSVME

ClinVar aggregate classification (germline): Uncertain significance (1 of 4 stars; one submission).

Conditions:
Early Myoclonic Encephalopathy. Identifiers: MedGen C0270855.

Allele frequency attached by ClinVar (database versions not stated): TOPMed 0.00018; ESP Exome Variant Server 0.00008.
gnomAD v4.1: 47 of 1,613,922 alleles (0.0029%); highest among the groups gnomAD compares: African/African-American, 0.048%; no homozygotes.

Submission:

Labcorp Genetics (formerly Invitae), Labcorp
Classification: Uncertain significance for Early Myoclonic Encephalopathy. Last evaluated: 2025-06-06. Review status: criteria provided, single submitter. Criteria: Invitae Variant Classification Sherloc (09022015). Collection method: clinical testing. Allele origin: germline.
Comment: This sequence change replaces isoleucine, which is neutral and non-polar, with valine, which is neutral and non-polar, at codon 600 of the JMJD1C protein (p.Ile600Val). This variant is present in population databases (rs374685297, gnomAD 0.06%), and has an allele count higher than expected for a pathogenic variant. This variant has not been reported in the literature in individuals affected with JMJD1C-related conditions. ClinVar contains an entry for this variant (Variation ID: 1041112). Invitae Evidence Modeling of protein sequence and biophysical properties (such as structural, functional, and spatial information, amino acid conservation, physicochemical variation, residue mobility, and thermodynamic stability) indicates that this missense variant is not expected to disrupt JMJD1C protein function with a negative predictive value of 80%. In summary, the available evidence is currently insufficient to determine the role of this variant in disease. Therefore, it has been classified as a Variant of Uncertain Significance.